The following is an entry in ClinVar:

ClinVar aggregate classification (germline): Uncertain significance. Review status: criteria provided, multiple submitters, no conflicts (2 of 4 stars). 2 submissions from 2 submitters: Uncertain significance (2). Last evaluated 2023-07-31.

Submissions (2):

Labcorp Genetics (formerly Invitae), Labcorp
Classification: Uncertain significance. Last evaluated: 2023-07-31. Review status: criteria provided, single submitter. Criteria: Invitae Variant Classification Sherloc (09022015). Collection method: clinical testing. Allele origin: germline.
Comment: Advanced modeling of protein sequence and biophysical properties (such as structural, functional, and spatial information, amino acid conservation, physicochemical variation, residue mobility, and thermodynamic stability) has been performed at Invitae for this missense variant, however the output from this modeling did not meet the statistical confidence thresholds required to predict the impact of this variant on TECTA protein function. In summary, the available evidence is currently insufficient to determine the role of this variant in disease. Therefore, it has been classified as a Variant of Uncertain Significance. ClinVar contains an entry for this variant (Variation ID: 1217486). This variant has not been reported in the literature in individuals affected with TECTA-related conditions. This variant is not present in population databases (gnomAD no frequency). This sequence change replaces glycine, which is neutral and non-polar, with glutamic acid, which is acidic and polar, at codon 204 of the TECTA protein (p.Gly204Glu).

GeneDx
Classification: Uncertain significance. Last evaluated: 2019-11-21. Review status: criteria provided, single submitter. Criteria: GeneDx Variant Classification Process June 2021. Collection method: clinical testing. Allele origin: germline. Affected: yes.
Comment: Not observed in large population cohorts (Lek et al., 2016); In silico analysis, which includes protein predictors and evolutionary conservation, supports that this variant does not alter protein structure/function; Has not been previously published as pathogenic or benign to our knowledge

NM_005422.4(TECTA):c.611G>A (p.Gly204Glu)

Genes: TBCEL-TECTA (TBCEL-TECTA readthrough; plus strand), TECTA (tectorin alpha; plus strand). Cytogenetic location: 11q23.3.
Variant type: single nucleotide variant.
Coding change: c.611G>A on transcript NM_005422.4 (MANE Select); coding-DNA position 611, G replaced by A.
Protein change: p.Gly204Glu; replaces glycine 204 with glutamic acid.
Molecular consequence: missense variant.
Genome position (GRCh38, 1-based): chr11:121,113,196, G>A. VCF-style: chr11-121113196-G-A. GRCh37 (hg19) VCF-style: chr11-120983905-G-A.
Other names: c.1568G>A, p.Gly523Glu (NM_001378761.1); short protein forms G204E, G523E.
Identifiers: ClinVar variation 1217486 (VCV001217486.6), dbSNP rs1946459256, ClinGen allele CA383022269.